The following is an entry in ClinVar:

ClinVar aggregate classification (germline): Uncertain significance (1 of 4 stars; one submission).

Submission:

Labcorp Genetics (formerly Invitae), Labcorp
Classification: Uncertain significance. Last evaluated: 2024-08-12. Review status: criteria provided, single submitter. Criteria: Invitae Variant Classification Sherloc (09022015). Collection method: clinical testing. Allele origin: germline.
Comment: This sequence change replaces proline, which is neutral and non-polar, with serine, which is neutral and polar, at codon 107 of the SOX10 protein (p.Pro107Ser). This variant is not present in population databases (gnomAD no frequency). This missense change has been observed in individual(s) with clinical features of Kallmann syndrome (PMID: 33442024). Advanced modeling of protein sequence and biophysical properties (such as structural, functional, and spatial information, amino acid conservation, physicochemical variation, residue mobility, and thermodynamic stability) performed at Invitae indicates that this missense variant is expected to disrupt SOX10 protein function with a positive predictive value of 80%. In summary, the available evidence is currently insufficient to determine the role of this variant in disease. Therefore, it has been classified as a Variant of Uncertain Significance.

Literature cited by the submitters: PubMed 33442024.

NM_006941.4(SOX10):c.319C>T (p.Pro107Ser)

Genes: POLR2F (RNA polymerase II, I and III subunit F; plus strand), SOX10 (SRY-box transcription factor 10; minus strand). Cytogenetic location: 22q13.1.
Variant type: single nucleotide variant.
Coding change: c.319C>T on transcript NM_006941.4 (MANE Select); coding-DNA position 319, C replaced by T.
Protein change: p.Pro107Ser; replaces proline 107 with serine.
Molecular consequence: missense variant. On other transcripts: intron variant (3).
Genome position (GRCh38, 1-based): chr22:37,983,466, G>A on the plus strand (C>T on the coding strand, the complement: SOX10 is on the minus strand). VCF-style: chr22-37983466-G-A. GRCh37 (hg19) VCF-style: chr22-38379473-G-A.
Other names: c.*38+11156G>A (NM_001363825.1); c.294-2688G>A (NM_001301130.2); c.293+16296G>A (NM_001301131.2); short protein forms P107S.
Identifiers: ClinVar variation 3677193 (VCV003677193.2).